The following is an entry in ClinVar:

ClinVar aggregate classification (germline): Pathogenic (1 of 4 stars; one submission).

Conditions:
Ellis-van Creveld syndrome (EVC). Also called: MESOECTODERMAL DYSPLASIA; Chondroectodermal dysplasia. Identifiers: Orphanet 289, MedGen C0013903, MONDO:0009162, OMIM 225500.

Submission:

Myriad Genetics, Inc.
Classification: Pathogenic for Ellis-van Creveld syndrome. Last evaluated: 2023-09-27. Review status: criteria provided, single submitter. Criteria: Myriad Autosomal Dominant, Autosomal Recessive and X-Linked Classification Criteria (2023). Collection method: clinical testing. Allele origin: unknown.
Comment: NM_153717.2(EVC):c.75dupC(A26Rfs*47) is expected to be pathogenic in the context of EVC-related Ellis-van Creveld syndrome. This variant is predicted to lead to an abnormal or absent protein product due to the creation of a premature termination codon in EVC, a gene where loss-of-function variants are known to be pathogenic. Please note: this variant was assessed in the context of healthy population screening.

NM_153717.3(EVC):c.75dup (p.Ala26fs)

Gene: EVC (EvC ciliary complex subunit 1; plus strand). Cytogenetic location: 4p16.2.
Variant type: Duplication.
Coding change: c.75dup on transcript NM_153717.3 (MANE Select); coding-DNA position 75, one base duplicated (C; older notation c.75dupC).
Protein change: p.Ala26fs; shifts the reading frame from alanine 26.
Molecular consequence: frameshift variant.
Genome position (GRCh38, 1-based): chr4:5,711,455, C duplicated; the last of 3 consecutive C bases (chr4:5,711,453-5,711,455); duplicating any one gives the same sequence. VCF-style (leftmost placement, unchanged base first): chr4-5711452-G-GC. GRCh37 (hg19) VCF-style: chr4-5713179-G-GC.
Other names: c.75dup, p.Ala26fs (NM_001306090.2, NM_001306092.2); short protein forms A26fs.
Identifiers: ClinVar variation 5012204 (VCV005012204.1).